The following is an entry in ClinVar:

ClinVar aggregate classification (germline): Uncertain significance. Review status: criteria provided, multiple submitters, no conflicts (2 of 4 stars). 3 submissions from 3 submitters: Uncertain significance (3). Last evaluated 2024-09-06.

Conditions:
Inborn genetic diseases. Identifiers: MedGen C0950123, MeSH D030342.

Allele frequency attached by ClinVar (database versions not stated): gnomAD 0.00001; gnomAD exomes 0.00001 and 0.00002; ExAC 0.00002; TOPMed 0.00002.
gnomAD v4.1: 12 of 1,614,010 alleles (0.00074%); highest among the groups gnomAD compares: East Asian, 0.027%; no homozygotes.

Submissions (3):

Ambry Genetics
Classification: Uncertain significance for Inborn genetic diseases. Last evaluated: 2024-09-06. Review status: criteria provided, single submitter. Criteria: Ambry Variant Classification Scheme 2023. Collection method: clinical testing. Allele origin: germline.

Blueprint Genetics
Classification: Uncertain significance. Last evaluated: 2024-06-28. Review status: criteria provided, single submitter. Criteria: ACMG Guidelines, 2015. Collection method: clinical testing. Allele origin: germline.

Labcorp Genetics (formerly Invitae), Labcorp
Classification: Uncertain significance. Last evaluated: 2021-09-01. Review status: criteria provided, single submitter. Criteria: Invitae Variant Classification Sherloc (09022015). Collection method: clinical testing. Allele origin: germline.
Comment: This sequence change replaces leucine with glutamine at codon 563 of the ABCA4 protein (p.Leu563Gln). The leucine residue is highly conserved and there is a moderate physicochemical difference between leucine and glutamine. This variant is present in population databases (rs754652550, ExAC 0.03%). This variant has not been reported in the literature in individuals affected with ABCA4-related conditions. Advanced modeling of protein sequence and biophysical properties (such as structural, functional, and spatial information, amino acid conservation, physicochemical variation, residue mobility, and thermodynamic stability) performed at Invitae indicates that this missense variant is expected to disrupt ABCA4 protein function. In summary, the available evidence is currently insufficient to determine the role of this variant in disease. Therefore, it has been classified as a Variant of Uncertain Significance.

NM_000350.3(ABCA4):c.1688T>A (p.Leu563Gln)

Gene: ABCA4 (ATP binding cassette subfamily A member 4; minus strand). Cytogenetic location: 1p22.1.
Variant type: single nucleotide variant.
Coding change: c.1688T>A on transcript NM_000350.3 (MANE Select); coding-DNA position 1688, T replaced by A.
Protein change: p.Leu563Gln; replaces leucine 563 with glutamine.
Molecular consequence: missense variant.
Genome position (GRCh38, 1-based): chr1:94,063,184, A>T on the plus strand (T>A on the coding strand, the complement: ABCA4 is on the minus strand). VCF-style: chr1-94063184-A-T. GRCh37 (hg19) VCF-style: chr1-94528740-A-T.
Other names: c.1688T>A, p.Leu563Gln (NM_001425324.1); c.1688T>A (NM_000350.2); short protein forms L563Q.
Identifiers: ClinVar variation 1388135 (VCV001388135.7), dbSNP rs754652550, ClinGen allele CA958457.